The following is an entry in ClinVar:

ClinVar aggregate classification (germline): Likely benign (1 of 4 stars; one submission).

Allele frequency attached by ClinVar (database versions not stated): ExAC 0.00001.
gnomAD v4.1: 38 of 1,611,288 alleles (0.0024%); highest among the groups gnomAD compares: Non-Finnish European, 0.0031%; no homozygotes.

Submission:

CeGaT Center for Human Genetics Tuebingen
Classification: Likely benign. Last evaluated: 2022-06-01. Review status: criteria provided, single submitter. Criteria: CeGaT Center For Human Genetics Tuebingen Variant Classification Criteria Version 2. Collection method: clinical testing. Allele origin: germline. Affected: yes. Observed: 1 variant allele.
Comment: UBR4: BP4, BP7

NM_020765.3(UBR4):c.14493C>T (p.Ile4831=)

Genes: UBR4 (ubiquitin protein ligase E3 component n-recognin 4; minus strand), LOC129929563 (ATAC-STARR-seq lymphoblastoid active region 295; plus strand). Cytogenetic location: 1p36.13.
Variant type: single nucleotide variant.
Coding change: c.14493C>T on transcript NM_020765.3 (MANE Select); coding-DNA position 14493, C replaced by T.
Protein change: p.Ile4831=; no amino-acid change (isoleucine 4831 retained).
Molecular consequence: synonymous variant.
Genome position (GRCh38, 1-based): chr1:19,087,867, G>A on the plus strand (C>T on the coding strand, the complement: UBR4 is on the minus strand). VCF-style: chr1-19087867-G-A. GRCh37 (hg19) VCF-style: chr1-19414361-G-A.
Identifiers: ClinVar variation 2638412 (VCV002638412.24), dbSNP rs766518137, ClinGen allele CA648204.